The following is an entry in ClinVar:

NM_001081550.2(THOC2):c.-6A>T

Genes: THOC2 (THO complex subunit 2; minus strand), LOC130068628 (ATAC-STARR-seq lymphoblastoid active region 29909; plus strand). Cytogenetic location: Xq25.
Variant type: single nucleotide variant.
Coding change: c.-6A>T on transcript NM_001081550.2 (MANE Select); 6 bases upstream of the start codon, A replaced by T.
Molecular consequence: 5 prime UTR variant.
Genome position (GRCh38, 1-based): chrX:123,733,028, T>A on the plus strand (A>T on the coding strand, the complement: THOC2 is on the minus strand). VCF-style: chrX-123733028-T-A. GRCh37 (hg19) VCF-style: chrX-122866878-T-A.
Other names: c.-6A>T (NM_001441235.1, NM_001441236.1).
Identifiers: ClinVar variation 4853784 (VCV004853784.1).

ClinVar aggregate classification (germline): Uncertain significance (1 of 4 stars; one submission).

gnomAD v4.1: 23 of 1,208,309 alleles (0.0019%); highest among the groups gnomAD compares: Non-Finnish European, 0.0026%; no homozygotes.

Submission:

Women's Health and Genetics/Laboratory Corporation of America, LabCorp
Classification: Uncertain significance. Last evaluated: 2026-05-19. Review status: criteria provided, single submitter. Criteria: LabCorp Variant Classification Summary - May 2015. Collection method: clinical testing. Allele origin: germline.
Comment: Variant summary: THOC2 c.-6A>T is located in the untranslated mRNA region upstream of the initiation codon. The variant allele was found at a frequency of 1.9e-05 in 1208309 control chromosomes, including 4 hemizygotes (gnomAD v4). This frequency is not significantly higher than estimated for disease-causing variants in THOC2, allowing no conclusion about variant significance. To our knowledge, no occurrence of c.-6A>T in individuals affected with THOC2-related conditions and no experimental evidence demonstrating its impact on protein function have been reported. No submitters have cited clinical-significance assessments for this variant to ClinVar. Based on the evidence outlined above, the variant was classified as VUS-possibly benign.